The following is an entry in ClinVar:

ClinVar aggregate classification (germline): Uncertain significance. Review status: criteria provided, multiple submitters, no conflicts (2 of 4 stars). 3 submissions from 3 submitters: Uncertain significance (3). Last evaluated 2025-03-17.

Conditions:
Myofibromatosis, infantile, 1. Also called: Myofibromatosis, juvenile. Identifiers: Orphanet 2591, MedGen C4551572, MONDO:0009227, OMIM 228550.

gnomAD v4.1: 5 of 1,614,116 alleles (0.00031%); highest among the groups gnomAD compares: South Asian, 0.0022%; no homozygotes.

Submissions (3):

Clinical Genomics Laboratory, Washington University in St. Louis
Classification: Uncertain significance for Myofibromatosis, infantile, 1. Last evaluated: 2025-03-17. Review status: criteria provided, single submitter. Criteria: Leon-Quintero et al. (Clin Genet. 2025). Collection method: clinical testing. Allele origin: somatic.
Comment: A PDGFRB c.530G>A. (p.Arg177His) variant was identified at an allelic fraction consistent with somatic origin. To our knowledge, this variant has not been reported in the medical literature. It has been reported in the ClinVar database as a germline variant of uncertain significance by a single submitter (ClinVar ID 3363361). The PDGFRB c.530G>A. (p.Arg177His) variant is only observed on 5/1,614,116 alleles in the general population (gnomAD v4.1.0), indicating it is not a common variant. Computational predictors suggest that the variant does not impact PDGFRB function. Due to limited information, and based on an internally developed protocol informed by the ACMG/AMP guidelines (Leon-Quintero FZ, et al., PMID: 39434542), the clinical significance of this variant is uncertain at this time.

GeneDx
Classification: Uncertain significance. Last evaluated: 2023-10-26. Review status: criteria provided, single submitter. Criteria: GeneDx Variant Classification Process June 2021. Collection method: clinical testing. Allele origin: germline. Affected: yes.
Comment: Not observed at significant frequency in large population cohorts (gnomAD); In silico analysis supports that this missense variant has a deleterious effect on protein structure/function; Has not been previously published as pathogenic or benign to our knowledge

Department of Pathology and Laboratory Medicine, Sinai Health System
Classification: Uncertain significance for myofibromatosis, infantile, 1. Last evaluated: 2021-03-05. Review status: criteria provided, single submitter. Criteria: ACMG Guidelines, 2015. Collection method: research. Allele origin: germline.

NM_002609.4(PDGFRB):c.530G>A (p.Arg177His)

Gene: PDGFRB (platelet derived growth factor receptor beta; minus strand). Cytogenetic location: 5q32.
Variant type: single nucleotide variant.
Coding change: c.530G>A on transcript NM_002609.4 (MANE Select); coding-DNA position 530, G replaced by A.
Protein change: p.Arg177His; replaces arginine 177 with histidine.
Molecular consequence: missense variant.
Genome position (GRCh38, 1-based): chr5:150,134,851, C>T on the plus strand (G>A on the coding strand, the complement: PDGFRB is on the minus strand). VCF-style: chr5-150134851-C-T. GRCh37 (hg19) VCF-style: chr5-149514414-C-T.
Other names: c.338G>A, p.Arg113His (NM_001355016.2); c.13G>A, p.Val5Met (NM_001355017.2); short protein forms R113H, R177H, V5M.
Identifiers: ClinVar variation 3363361 (VCV003363361.3).